The following is an entry in ClinVar:

ClinVar aggregate classification (germline): Uncertain significance (1 of 4 stars; one submission).

Submission:

Labcorp Genetics (formerly Invitae), Labcorp
Classification: Uncertain significance. Last evaluated: 2024-05-24. Review status: criteria provided, single submitter. Criteria: Invitae Variant Classification Sherloc (09022015). Collection method: clinical testing. Allele origin: germline.
Comment: This sequence change replaces proline, which is neutral and non-polar, with arginine, which is basic and polar, at codon 32 of the PDX1 protein (p.Pro32Arg). This variant is not present in population databases (gnomAD no frequency). This variant has not been reported in the literature in individuals affected with PDX1-related conditions. Advanced modeling of protein sequence and biophysical properties (such as structural, functional, and spatial information, amino acid conservation, physicochemical variation, residue mobility, and thermodynamic stability) performed at Invitae indicates that this missense variant is not expected to disrupt PDX1 protein function with a negative predictive value of 80%. In summary, the available evidence is currently insufficient to determine the role of this variant in disease. Therefore, it has been classified as a Variant of Uncertain Significance.

NM_000209.4(PDX1):c.95C>G (p.Pro32Arg)

Gene: PDX1 (pancreatic and duodenal homeobox 1; plus strand). Cytogenetic location: 13q12.2.
Variant type: single nucleotide variant.
Coding change: c.95C>G on transcript NM_000209.4 (MANE Select); coding-DNA position 95, C replaced by G.
Protein change: p.Pro32Arg; replaces proline 32 with arginine.
Molecular consequence: missense variant.
Genome position (GRCh38, 1-based): chr13:27,920,233, C>G. VCF-style: chr13-27920233-C-G. GRCh37 (hg19) VCF-style: chr13-28494370-C-G.
Other names: short protein forms P32R.
Identifiers: ClinVar variation 3654512 (VCV003654512.2).